The following is an entry in ClinVar:

NM_000329.3(RPE65):c.246-1G>C

Gene: RPE65 (retinoid isomerohydrolase RPE65; minus strand). Cytogenetic location: 1p31.3.
Variant type: single nucleotide variant.
Coding change: c.246-1G>C on transcript NM_000329.3 (MANE Select); the canonical splice acceptor site of the intron before coding-DNA position 246, G replaced by C.
Molecular consequence: splice acceptor variant. On other transcripts: intron variant (1).
Genome position (GRCh38, 1-based): chr1:68,444,884, C>G on the plus strand (G>C on the coding strand, the complement: RPE65 is on the minus strand). VCF-style: chr1-68444884-C-G. GRCh37 (hg19) VCF-style: chr1-68910567-C-G.
Other names: c.-31-1G>C (NM_001406857.1, NM_001406856.1); c.246-212G>C (NM_001406853.1); c.246-1G>C (NM_001406859.1, NM_001406860.1).
Identifiers: ClinVar variation 4818173 (VCV004818173.1).

ClinVar aggregate classification (germline): Likely pathogenic (1 of 4 stars; one submission).

Conditions:
Leber congenital amaurosis (LCA). Also called: Leber's amaurosis. Identifiers: Orphanet 65, MedGen C0339527, MeSH D057130, MONDO:0018998.

Submission:

Natera, Inc.
Classification: Likely pathogenic for Leber congenital amaurosis. Last evaluated: 2025-03-28. Review status: criteria provided, single submitter. Criteria: Natera Variant Classification Schema (03/2026). Collection method: clinical testing. Allele origin: germline.
Comment: The c.246-1G>C variant in RPE65 is a canonical splice acceptor site variant predicted to affect pre-mRNA splicing, which may result in an abnormal transcript and altered protein product. This variant is expected to result in nonsense mediated decay, truncation, or a dysfunctional protein product. This variant is rare in the general population with a frequency below the threshold expected for the associated phenotype(s). Given the available evidence, this variant is classified as Likely Pathogenic.